The following is an entry in ClinVar:

ClinVar aggregate classification (germline): Uncertain significance (1 of 4 stars; one submission).

Allele frequency attached by ClinVar (database versions not stated): TOPMed 0.00001.
gnomAD v4.1: 2 of 1,614,156 alleles (0.00012%); highest among the groups gnomAD compares: South Asian, 0.0011%; no homozygotes.

Submission:

Labcorp Genetics (formerly Invitae), Labcorp
Classification: Uncertain significance. Last evaluated: 2022-07-15. Review status: criteria provided, single submitter. Criteria: Invitae Variant Classification Sherloc (09022015). Collection method: clinical testing. Allele origin: germline.
Comment: This variant is not present in population databases (gnomAD no frequency). This sequence change replaces histidine, which is basic and polar, with arginine, which is basic and polar, at codon 172 of the ABHD5 protein (p.His172Arg). This variant has not been reported in the literature in individuals affected with ABHD5-related conditions. Algorithms developed to predict the effect of missense changes on protein structure and function (SIFT, PolyPhen-2, Align-GVGD) all suggest that this variant is likely to be tolerated. In summary, the available evidence is currently insufficient to determine the role of this variant in disease. Therefore, it has been classified as a Variant of Uncertain Significance.

NM_016006.6(ABHD5):c.515A>G (p.His172Arg)

Gene: ABHD5 (abhydrolase domain containing 5, lysophosphatidic acid acyltransferase; plus strand). Cytogenetic location: 3p21.33.
Variant type: single nucleotide variant.
Coding change: c.515A>G on transcript NM_016006.6 (MANE Select); coding-DNA position 515, A replaced by G.
Protein change: p.His172Arg; replaces histidine 172 with arginine.
Molecular consequence: missense variant. On other transcripts: non-coding transcript variant (1).
Genome position (GRCh38, 1-based): chr3:43,711,717, A>G. VCF-style: chr3-43711717-A-G. GRCh37 (hg19) VCF-style: chr3-43753209-A-G.
Other names: c.515A>G, p.His172Arg (NM_001355186.2, NM_001365650.1); c.392A>G, p.His131Arg (NM_001365649.1); short protein forms H172R, H131R.
Identifiers: ClinVar variation 2033015 (VCV002033015.4), dbSNP rs1430242765, ClinGen allele CA352346810.
Genomic context (GRCh38, chr3:43,711,717, plus strand): 5'-GTCTTAGGGTGATTTTACCAAATGAACTTAAATATATTCTTTCCCCCAACAGGGTTAATC[A>G]TCTCATTTTAGTGGAGCCTTGGGGTTTCCCTGAACGACCAGACCTTGCTGATCAAGACAG-3'
Protein context (NP_057090.2, residues 162-182): YSLKYPSRVN[His172Arg]LILVEPWGFP